The following is an entry in ClinVar:

NM_001003699.4(RREB1):c.4518G>C (p.Glu1506Asp)

Gene: RREB1 (ras responsive element binding protein 1; plus strand). Cytogenetic location: 6p24.3.
Variant type: single nucleotide variant.
Coding change: c.4518G>C on transcript NM_001003699.4 (MANE Select); coding-DNA position 4518, G replaced by C.
Protein change: p.Glu1506Asp; replaces glutamic acid 1506 with aspartic acid.
Molecular consequence: missense variant. On other transcripts: intron variant (1).
Genome position (GRCh38, 1-based): chr6:7,246,968, G>C. VCF-style: chr6-7246968-G-C. GRCh37 (hg19) VCF-style: chr6-7247201-G-C.
Other names: c.4353G>C, p.Glu1451Asp (NM_001003698.4, NM_001168344.2); c.3974-1543G>C (NM_001003700.2); short protein forms E1506D, E1451D.
Identifiers: ClinVar variation 4157066 (VCV004157066.2).
Genomic context (GRCh38, chr6:7,246,968, plus strand): 5'-AGAGGAGGGGCCCCAGCCCGCCCCTGAACAGGAGGAGAAGCCCCCCGAGACCCCGGCAGA[G>C]GTGGTGGAGTCGGCCCCGGGTGCCGGGGAGGCCCCGGCGGAAAAGCTCGCGGAGGAGACG-3'
Protein context (NP_001003699.1, residues 1496-1516): QEEKPPETPA[Glu1506Asp]VVESAPGAGE

ClinVar aggregate classification (germline): Conflicting classifications of pathogenicity. Review status: criteria provided, conflicting classifications (1 of 4 stars). 2 submissions from 2 submitters: Uncertain significance (1); Likely benign (1). Last evaluated 2026-06-04.

gnomAD v4.1: 142 of 1,577,236 alleles (0.009%); highest among the groups gnomAD compares: African/African-American, 0.14%; no homozygotes.

Submissions (2):

Women's Health and Genetics/Laboratory Corporation of America, LabCorp
Classification: Likely benign. Last evaluated: 2026-06-04. Review status: criteria provided, single submitter. Criteria: LabCorp Variant Classification Summary - May 2015. Collection method: clinical testing. Allele origin: germline.
Comment: Variant summary: RREB1 c.4518G>C (p.Glu1506Asp) results in a conservative amino acid change in the encoded protein sequence. Algorithms developed to predict the effect of missense changes on protein structure and function all suggest that this variant is likely to be tolerated. The variant allele was found at a frequency of 8.2e-05 in 183036 control chromosomes, predominantly at a frequency of 0.0011 within the African or African-American subpopulation in the gnomAD database. The observed variant frequency within African or African-American control individuals in the gnomAD database exceeds the estimated maximal expected allele frequency for disease-causing variants in RREB1. To our knowledge, no occurrence of c.4518G>C in individuals affected with RREB1-related conditions and no experimental evidence demonstrating its impact on protein function have been reported. ClinVar contains an entry for this variant (Variation ID: 4157066). Based on the evidence outlined above, the variant was classified as likely benign.

Ambry Genetics
Classification: Uncertain significance. Last evaluated: 2025-08-04. Review status: criteria provided, single submitter. Criteria: Ambry Variant Classification Scheme 2023. Collection method: clinical testing. Allele origin: germline.